The following is an entry in ClinVar:

NM_130810.4(DNAAF4):c.1196A>G (p.Asn399Ser)

Genes: DNAAF4 (dynein axonemal assembly factor 4; minus strand), DNAAF4-CCPG1 (DNAAF4-CCPG1 readthrough (NMD candidate); minus strand). Cytogenetic location: 15q21.3.
Variant type: single nucleotide variant.
Coding change: c.1196A>G on transcript NM_130810.4 (MANE Select); coding-DNA position 1196, A replaced by G.
Protein change: p.Asn399Ser; replaces asparagine 399 with serine.
Molecular consequence: missense variant. On other transcripts: intron variant (1).
Genome position (GRCh38, 1-based): chr15:55,430,737, T>C on the plus strand (A>G on the coding strand, the complement: DNAAF4 is on the minus strand). VCF-style: chr15-55430737-T-C. GRCh37 (hg19) VCF-style: chr15-55722935-T-C.
Other names: c.1090A>G, p.Thr364Ala (NM_001033559.3); c.1047+4168A>G (NM_001033560.2); short protein forms N399S, T364A.
Identifiers: ClinVar variation 858060 (VCV000858060.9), dbSNP rs113483423, ClinGen allele CA270791872.

ClinVar aggregate classification (germline): Uncertain significance (1 of 4 stars; one submission).

Allele frequency attached by ClinVar (database versions not stated): TOPMed below 0.00001; gnomAD 0.00001 and 0.00003; gnomAD exomes 0.00001.

Submission:

Labcorp Genetics (formerly Invitae), Labcorp
Classification: Uncertain significance. Last evaluated: 2023-08-04. Review status: criteria provided, single submitter. Criteria: Invitae Variant Classification Sherloc (09022015). Collection method: clinical testing. Allele origin: germline.
Comment: This variant has not been reported in the literature in individuals affected with DNAAF4-related conditions. ClinVar contains an entry for this variant (Variation ID: 858060). Advanced modeling of protein sequence and biophysical properties (such as structural, functional, and spatial information, amino acid conservation, physicochemical variation, residue mobility, and thermodynamic stability) has been performed at Invitae for this missense variant, however the output from this modeling did not meet the statistical confidence thresholds required to predict the impact of this variant on DNAAF4 protein function. In summary, the available evidence is currently insufficient to determine the role of this variant in disease. Therefore, it has been classified as a Variant of Uncertain Significance. This variant is not present in population databases (gnomAD no frequency). This sequence change replaces asparagine, which is neutral and polar, with serine, which is neutral and polar, at codon 399 of the DNAAF4 protein (p.Asn399Ser).